The following is an entry in ClinVar:

NM_001252024.2(TRPM1):c.1263G>A (p.Pro421=)

Gene: TRPM1 (transient receptor potential cation channel subfamily M member 1; minus strand). Cytogenetic location: 15q13.3.
Variant type: single nucleotide variant.
Coding change: c.1263G>A on transcript NM_001252024.2 (MANE Select); coding-DNA position 1263, G replaced by A.
Protein change: p.Pro421=; no amino-acid change (proline 421 retained).
Molecular consequence: synonymous variant.
Genome position (GRCh38, 1-based): chr15:31,060,544, C>T on the plus strand (G>A on the coding strand, the complement: TRPM1 is on the minus strand). VCF-style: chr15-31060544-C-T. GRCh37 (hg19) VCF-style: chr15-31352747-C-T.
Other names: p.Pro421=; c.1314G>A, p.Pro438= (NM_001252020.2); c.1197G>A, p.Pro399= (NM_002420.6).
Identifiers: ClinVar variation 225502 (VCV000225502.9), dbSNP rs768701595, ClinGen allele CA7452635.

ClinVar aggregate classification (germline): Conflicting classifications of pathogenicity. Review status: criteria provided, conflicting classifications (1 of 4 stars). 8 submissions from 7 submitters: Pathogenic (2); Likely pathogenic (2); Uncertain significance (3). 1 of the submissions does not count toward it. Last evaluated 2026-07-05.

Conditions:
TRPM1-related disorder. Also called: TRPM1-related condition.
Night blindness. Also called: Nyctalopia. Identifiers: MedGen C0028077, MONDO:0004588, HP:0000662.
Congenital stationary night blindness. Also called: Early-onset non-progressive night blindness. Identifiers: Orphanet 215, MedGen C0339535, MONDO:0016293, HP:0007642.
Congenital stationary night blindness 1C. Also called: Night blindness, congenital stationary (complete), 1C, autosomal recessive. Identifiers: Orphanet 215, MedGen C2750747, MONDO:0013183, OMIM 613216.

Allele frequency attached by ClinVar (database versions not stated): ExAC 0.00001; gnomAD 0.00001; gnomAD exomes 0.00001 and 0.00002; 1000 Genomes Project 30x 0.00031.
gnomAD v4.1: 13 of 1,613,684 alleles (0.00081%); highest among the groups gnomAD compares: East Asian, 0.0045%; no homozygotes.

Submissions (8):

Department of Molecular Genetics, Istishari Arab Hospital
Classification: Pathogenic for Congenital stationary night blindness 1C. Last evaluated: 2026-07-05. Review status: criteria provided, single submitter. Criteria: ACMG Guidelines, 2015. Collection method: clinical testing. Allele origin: germline. Inheritance: Autosomal recessive inheritance. Affected: yes.
Comment: The TRPM1 variant c.1263G>A, p.Pro421= is a synonymous alteration in codon 421, which affects the last base of exon 12 (out of 29 exons), which lies near the exon-intron junction and is predicted to alter normal splicing. This variant was previously reported in patients with autosomal recessive congenital stationary night blindness (PMID: 33691579, 19896113). It is classified as pathogenic according to the recommendations of ACMG/AMP/ClinGen SVI guidelines.

Dubai Health Genomic Medicine Center, Dubai Health
Classification: Likely pathogenic for Night blindness. Last evaluated: 2024-10-04. Review status: criteria provided, single submitter. Criteria: ACMG Guidelines, 2015. Collection method: research. Allele origin: germline. Affected: yes.
Comment: PM3, PM2, PP3, PP4

Blueprint Genetics
Classification: Likely pathogenic for TRPM1-related disorders. Last evaluated: 2024-05-02. Review status: criteria provided, single submitter. Criteria: ACMG Guidelines, 2015. Collection method: clinical testing. Allele origin: germline. Affected: yes. Observed: 4 variant alleles.

Equipe Genetique des Anomalies du Developpement, Université de Bourgogne
Classification: Pathogenic for Congenital stationary night blindness 1C. Last evaluated: 2022-09-11. Review status: criteria provided, single submitter. Criteria: ACMG Guidelines, 2015. Collection method: clinical testing. Allele origin: maternal. Inheritance: Autosomal recessive inheritance. Affected: yes.
Comment: This variant was observed with a CNV

Dubai Health Genomic Medicine Center, Dubai Health
Classification: Uncertain significance for Congenital stationary night blindness 1C. Last evaluated: 2020-11-02. Review status: criteria provided, single submitter. Criteria: ACMG Guidelines, 2015. Collection method: clinical testing. Allele origin: germline. Affected: yes.
Comment: The c.1197G>A has been previously reported in the compound heterozygous state with another frameshift variant in one individual with congenital stationary night blindness (CSNB) (PMID: 19896113). It was also identified in another family with CSNB though zygosity was not known (PMID: 31456290). This variant was identified in 4/249324 (0.0016% 0 homozygotes) total alleles in the Genome Aggregation Database (gnomAD). Although the 1197G>A nucleotide change is not predicted to lead to an amino acid change (synonymous p.Pro399) it affects the last base of exon 12 (out of total 29 exons) and is predicted to alter splicing. In summary additional case-level and functional data is needed to determine the clinical significance of this variant though we lean more towards a likely pathogenic role.

Fulgent Genetics
Classification: Uncertain significance for Congenital stationary night blindness 1C. Last evaluated: 2018-10-31. Review status: criteria provided, single submitter. Criteria: ACMG Guidelines, 2015. Collection method: clinical testing. Allele origin: unknown.

Soonchunhyang University Bucheon Hospital, Soonchunhyang University Medical Center
Classification: Uncertain significance for Congenital stationary night blindness 1C. Last evaluated: 2016-03-18. Review status: criteria provided, single submitter. Criteria: ACMG Guidelines, 2015. Collection method: reference population. Allele origin: germline. Observed: 1 variant allele.

Sharon lab, Hadassah-Hebrew University Medical Center
Classification: Likely pathogenic for Congenital stationary night blindness. Last evaluated: 2019-06-23. Review status: no assertion criteria provided. Collection method: research. Allele origin: inherited. Affected: yes. Not counted in ClinVar's aggregate classification.

Literature cited by the submitters: PubMed 33691579 (cited by Department of Molecular Genetics, Istishari Arab Hospital and Equipe Genetique des Anomalies du Developpement, Université de Bourgogne); PubMed 19896113 (cited by Department of Molecular Genetics, Istishari Arab Hospital and Soonchunhyang University Bucheon Hospital, Soonchunhyang University Medical Center).